The following is an entry in ClinVar:

ClinVar aggregate classification (germline): Uncertain significance. Review status: criteria provided, multiple submitters, no conflicts (2 of 4 stars). 2 submissions from 2 submitters: Uncertain significance (2). Last evaluated 2026-08-25.

Conditions:
Mucopolysaccharidosis, MPS-III-A (MPS3A). Also called: HEPARAN SULFATE SULFATASE DEFICIENCY; SANFILIPPO SYNDROME A; SULFAMIDASE DEFICIENCY; MPS III A; Mucopolysaccharidosis, type IIIA; MUCOPOLYSACCHARIDOSIS, TYPE IIIA, ATTENUATED. Identifiers: Orphanet 581, Orphanet 79269, MedGen C0086647, MONDO:0009655, OMIM 252900.
SGSH-related disorder. Also called: SGSH-related condition.

gnomAD v4.1: 63 of 1,598,322 alleles (0.0039%); highest among the groups gnomAD compares: Non-Finnish European, 0.0051%; no homozygotes.

Submissions (2):

PreventionGenetics, part of Exact Sciences
Classification: Uncertain significance for SGSH-related condition. Last evaluated: 2026-08-25. Review status: criteria provided, single submitter. Criteria: ACMG Guidelines, 2015. Collection method: clinical testing. Allele origin: germline.
Comment: The SGSH c.952C>T variant is predicted to result in the amino acid substitution p.Leu318Phe. To our knowledge, this variant has not been reported in the literature. This variant is reported in 0.00092% of alleles in individuals of European (Non-Finnish) descent in gnomAD. At this time, the clinical significance of this variant is uncertain due to the absence of conclusive functional and genetic evidence.

Labcorp Genetics (formerly Invitae), Labcorp
Classification: Uncertain significance for Mucopolysaccharidosis, MPS-III-A. Last evaluated: 2022-06-30. Review status: criteria provided, single submitter. Criteria: Invitae Variant Classification Sherloc (09022015). Collection method: clinical testing. Allele origin: germline.
Comment: This sequence change replaces leucine, which is neutral and non-polar, with phenylalanine, which is neutral and non-polar, at codon 318 of the SGSH protein (p.Leu318Phe). This variant is present in population databases (no rsID available, gnomAD 0.0009%). This variant has not been reported in the literature in individuals affected with SGSH-related conditions. Algorithms developed to predict the effect of missense changes on protein structure and function (SIFT, PolyPhen-2, Align-GVGD) all suggest that this variant is likely to be tolerated. In summary, the available evidence is currently insufficient to determine the role of this variant in disease. Therefore, it has been classified as a Variant of Uncertain Significance.

NM_000199.5(SGSH):c.952C>T (p.Leu318Phe)

Gene: SGSH (N-sulfoglucosamine sulfohydrolase; minus strand). Cytogenetic location: 17q25.3.
Variant type: single nucleotide variant.
Coding change: c.952C>T on transcript NM_000199.5 (MANE Select); coding-DNA position 952, C replaced by T.
Protein change: p.Leu318Phe; replaces leucine 318 with phenylalanine.
Molecular consequence: missense variant. On other transcripts: 3 prime UTR variant (2), non-coding transcript variant (1).
Genome position (GRCh38, 1-based): chr17:80,211,009, G>A on the plus strand (C>T on the coding strand, the complement: SGSH is on the minus strand). VCF-style: chr17-80211009-G-A. GRCh37 (hg19) VCF-style: chr17-78184808-G-A.
Other names: c.*39C>T (NM_001352921.3); c.*2C>T (NM_001352922.2); c.952C>T (NM_000199.3); short protein forms L318F.
Identifiers: ClinVar variation 2136979 (VCV002136979.2), dbSNP rs747197522, ClinGen allele CA294891187.
Genomic context (GRCh38, chr17:80,211,009, plus strand): 5'-AGCCAAAGATGGCGTAGCTGGGGTACGGGATCGAGAACCAATCCAAGATGGTGGGCGTGA[G>A]GTCTGGAAGGGACGCGGCATCTCAGAGCAGCAGAGCCCTCAGCACACAGGAGCTGCCCTC-3'
Protein context (NP_000190.1, residues 308-328): VSEAYVSLLD[Leu318Phe]TPTILDWFSI